The following is an entry in ClinVar:

ClinVar aggregate classification (germline): Likely benign. Review status: criteria provided, multiple submitters, no conflicts (2 of 4 stars). 4 submissions from 4 submitters: Likely benign (4). Last evaluated 2025-08-26.

Conditions:
Catecholaminergic polymorphic ventricular tachycardia 1. Also called: VENTRICULAR TACHYCARDIA, CATECHOLAMINERGIC POLYMORPHIC, 1, WITH OR WITHOUT ATRIAL DYSFUNCTION AND/OR DILATED CARDIOMYOPATHY; RYR2-Related Catecholaminergic Polymorphic Ventricular Tachycardia; VENTRICULAR TACHYCARDIA, STRESS-INDUCED POLYMORPHIC 1. Identifiers: Orphanet 3286, MedGen C1631597, MONDO:0011484, OMIM 604772.
Cardiomyopathy (CMYO). Also called: Cardiomyopathies. Identifiers: Orphanet 167848, MedGen C0878544, MONDO:0004994, HP:0001638. Inheritance: Various modes of inheritance.

Allele frequency attached by ClinVar (database versions not stated): gnomAD exomes below 0.00001; gnomAD 0.00001; TOPMed 0.00002.
gnomAD v4.1: 5 of 1,612,966 alleles (0.00031%); highest among the groups gnomAD compares: Non-Finnish European, 0.00042%; no homozygotes.

Submissions (4):

Labcorp Genetics (formerly Invitae), Labcorp
Classification: Likely benign for Catecholaminergic polymorphic ventricular tachycardia 1. Last evaluated: 2025-08-26. Review status: criteria provided, single submitter. Criteria: Invitae Variant Classification Sherloc (09022015). Collection method: clinical testing. Allele origin: germline.

Color Diagnostics, LLC DBA Color Health
Classification: Likely benign for Cardiomyopathy. Last evaluated: 2022-11-06. Review status: criteria provided, single submitter. Criteria: ACMG Guidelines, 2015. Collection method: clinical testing. Allele origin: germline.

Women's Health and Genetics/Laboratory Corporation of America, LabCorp
Classification: Likely benign. Last evaluated: 2021-05-23. Review status: criteria provided, single submitter. Criteria: LabCorp Variant Classification Summary - May 2015. Collection method: clinical testing. Allele origin: germline.

GeneDx
Classification: Likely benign. Last evaluated: 2018-04-09. Review status: criteria provided, single submitter. Criteria: GeneDx Variant Classification (06012015). Collection method: clinical testing. Allele origin: germline. Affected: yes.
Comment: This variant is considered likely benign or benign based on one or more of the following criteria: it is a conservative change, it occurs at a poorly conserved position in the protein, it is predicted to be benign by multiple in silico algorithms, and/or has population frequency not consistent with disease.

NM_001035.3(RYR2):c.4182G>A (p.Lys1394=)

Gene: RYR2 (ryanodine receptor 2; plus strand). Cytogenetic location: 1q43.
Variant type: single nucleotide variant.
Coding change: c.4182G>A on transcript NM_001035.3 (MANE Select); coding-DNA position 4182, G replaced by A.
Protein change: p.Lys1394=; no amino-acid change (lysine 1394 retained).
Molecular consequence: synonymous variant.
Genome position (GRCh38, 1-based): chr1:237,591,760, G>A. VCF-style: chr1-237591760-G-A. GRCh37 (hg19) VCF-style: chr1-237755060-G-A.
Identifiers: ClinVar variation 681663 (VCV000681663.12), dbSNP rs953147627, ClinGen allele CA39804044.
Genomic context (GRCh38, chr1:237,591,760, plus strand): 5'-TTTAATGTTGCTTATTGTTAGTCCTCTGAAATATTTCAGATTTTTGCTTAGAAGAACAAA[G>A]CCAGATTACAGCACAAGCCATTCTGCAAGACTCACCGAAGATGTCCTTGCTGATGATCGG-3'
Protein context (NP_001026.2, residues 1384-1404): LKQRFLLRRT[Lys1394=]PDYSTSHSAR